The following is an entry in ClinVar:

NM_014491.4(FOXP2):c.1127_1128insT (p.Ser377fs)

Gene: FOXP2 (forkhead box P2; plus strand). Cytogenetic location: 7q31.1.
Variant type: Insertion.
Coding change: c.1127_1128insT on transcript NM_014491.4 (MANE Select); coding-DNA positions 1127 to 1128, T inserted.
Protein change: p.Ser377fs; shifts the reading frame from serine 377.
Molecular consequence: frameshift variant. On other transcripts: non-coding transcript variant (2).
Genome position: GRCh38 VCF-style: chr7-114652235-G-GT. GRCh37 (hg19) VCF-style: chr7-114292290-G-GT.
Other names: c.1124_1125insT, p.Ser376fs (NM_001172766.3); c.1202_1203insT, p.Ser402fs (NM_001172767.2, NM_148898.4); c.-223_-222insT (NM_001172777.1); c.1127_1128insT, p.Ser377fs (NM_148899.3); c.1178_1179insT, p.Ser394fs (NM_148900.4); short protein forms S376fs, S394fs, S377fs, S402fs.
Identifiers: ClinVar variation 2269641 (VCV002269641.2), dbSNP rs2485442443, ClinGen allele CA2580076221.

ClinVar aggregate classification (germline): Pathogenic (1 of 4 stars; one submission).

Conditions:
Inborn genetic diseases. Identifiers: MedGen C0950123, MeSH D030342.

Submission:

Ambry Genetics
Classification: Pathogenic for Inborn genetic diseases. Last evaluated: 2022-01-25. Review status: criteria provided, single submitter. Criteria: Ambry Variant Classification Scheme 2023. Collection method: clinical testing. Allele origin: germline.
Comment: The c.1127_1128insT (p.S377Kfs*21) alteration, located in exon 9 (coding exon 8) of the FOXP2 gene, consists of an insertion of T at position 1127, causing a translational frameshift with a predicted alternate stop codon after 21 amino acids. This alteration is expected to result in loss of function by premature protein truncation or nonsense-mediated mRNA decay. This variant was not reported in population-based cohorts in the Genome Aggregation Database (gnomAD). Based on the available evidence, this alteration is classified as pathogenic.